The following is an entry in ClinVar:

ClinVar aggregate classification (germline): Likely benign (1 of 4 stars; one submission).

Allele frequency attached by ClinVar (database versions not stated): ExAC 0.00001; gnomAD 0.00009.

Submission:

CeGaT Center for Human Genetics Tuebingen
Classification: Likely benign. Last evaluated: 2024-03-01. Review status: criteria provided, single submitter. Criteria: CeGaT Center For Human Genetics Tuebingen Variant Classification Criteria Version 2. Collection method: clinical testing. Allele origin: germline. Affected: yes. Observed: 1 variant allele.
Comment: ZNF665: BP4, BP7

NM_024733.5(ZNF665):c.1896G>C (p.Gly632=)

Gene: ZNF665 (zinc finger protein 665; minus strand). Cytogenetic location: 19q13.42.
Variant type: single nucleotide variant.
Coding change: c.1896G>C on transcript NM_024733.5 (MANE Select); coding-DNA position 1896, G replaced by C.
Protein change: p.Gly632=; no amino-acid change (glycine 632 retained).
Molecular consequence: synonymous variant.
Genome position (GRCh38, 1-based): chr19:53,164,594, C>G on the plus strand (G>C on the coding strand, the complement: ZNF665 is on the minus strand). VCF-style: chr19-53164594-C-G. GRCh37 (hg19) VCF-style: chr19-53667847-C-G.
Other names: c.1890G>C, p.Gly630= (NM_001353457.2); c.1980G>C, p.Gly660= (NM_001353458.2); c.1896G>C, p.Gly632= (NM_001353459.2).
Identifiers: ClinVar variation 3026342 (VCV003026342.22), dbSNP rs755232699, ClinGen allele CA9631786.